The following is an entry in ClinVar:

ClinVar aggregate classification (germline): Uncertain significance (0 of 4 stars; one submission).

Conditions:
PLXNA4-related disorder. Also called: PLXNA4-related condition.

gnomAD v4.1: 28 of 1,605,624 alleles (0.0017%); highest among the groups gnomAD compares: Admixed American, 0.005%; no homozygotes.

Submission:

PreventionGenetics, part of Exact Sciences
Classification: Uncertain significance for PLXNA4-related condition. Last evaluated: 2024-03-19. Review status: no assertion criteria provided. Collection method: clinical testing. Allele origin: germline.
Comment: The PLXNA4 c.4231G>A variant is predicted to result in the amino acid substitution p.Asp1411Asn. To our knowledge, this variant has not been reported in the literature. This variant is reported in 0.0068% of alleles in individuals of South Asian descent in gnomAD. At this time, the clinical significance of this variant is uncertain due to the absence of conclusive functional and genetic evidence.

NM_020911.2(PLXNA4):c.4231G>A (p.Asp1411Asn)

Gene: PLXNA4 (plexin A4; minus strand). Cytogenetic location: 7q32.3.
Variant type: single nucleotide variant.
Coding change: c.4231G>A on transcript NM_020911.2 (MANE Select); coding-DNA position 4231, G replaced by A.
Protein change: p.Asp1411Asn; replaces aspartic acid 1411 with asparagine.
Molecular consequence: missense variant.
Genome position (GRCh38, 1-based): chr7:132,168,359, C>T on the plus strand (G>A on the coding strand, the complement: PLXNA4 is on the minus strand). VCF-style: chr7-132168359-C-T. GRCh37 (hg19) VCF-style: chr7-131853118-C-T.
Other names: c.4231G>A, p.Asp1411Asn (NM_001393897.1); short protein forms D1411N.
Identifiers: ClinVar variation 3358741 (VCV003358741.1).